The following is an entry in ClinVar:

ClinVar aggregate classification (germline): Uncertain significance (1 of 4 stars; one submission).

Conditions:
RASopathy. Also called: rasopathies; Noonan spectrum disorder. Identifiers: Orphanet 536391, MedGen C5555857, MONDO:0021060.

Submission:

Labcorp Genetics (formerly Invitae), Labcorp
Classification: Uncertain significance for RASopathy. Last evaluated: 2025-12-03. Review status: criteria provided, single submitter. Criteria: Invitae Variant Classification Sherloc (09022015). Collection method: clinical testing. Allele origin: germline.
Comment: This sequence change replaces alanine, which is neutral and non-polar, with proline, which is neutral and non-polar, at codon 390 of the MAP2K1 protein (p.Ala390Pro). This variant is not present in population databases (gnomAD no frequency). This variant has not been reported in the literature in individuals affected with MAP2K1-related conditions. Invitae Evidence Modeling of protein sequence and biophysical properties (such as structural, functional, and spatial information, amino acid conservation, physicochemical variation, residue mobility, and thermodynamic stability) indicates that this missense variant is not expected to disrupt MAP2K1 protein function with a negative predictive value of 95%. In summary, the available evidence is currently insufficient to determine the role of this variant in disease. Therefore, it has been classified as a Variant of Uncertain Significance.

NM_002755.4(MAP2K1):c.1168G>C (p.Ala390Pro)

Genes: MAP2K1 (mitogen-activated protein kinase kinase 1; plus strand), SNAPC5 (small nuclear RNA activating complex polypeptide 5; minus strand). Cytogenetic location: 15q22.31.
Variant type: single nucleotide variant.
Coding change: c.1168G>C on transcript NM_002755.4 (MANE Select); coding-DNA position 1168, G replaced by C.
Protein change: p.Ala390Pro; replaces alanine 390 with proline.
Molecular consequence: missense variant. On other transcripts: 3 prime UTR variant (1), non-coding transcript variant (1).
Genome position (GRCh38, 1-based): chr15:66,490,601, G>C. VCF-style: chr15-66490601-G-C. GRCh37 (hg19) VCF-style: chr15-66782939-G-C.
Other names: c.*138C>G (NM_006049.4); c.1024G>C, p.Ala342Pro (NM_001411065.1); short protein forms A342P, A390P.
Identifiers: ClinVar variation 4802393 (VCV004802393.1).